The following is an entry in ClinVar:

ClinVar aggregate classification (somatic clinical impact): Tier II - Potential (1 of 4 stars; one submission).

Conditions:
Embryonal rhabdomyosarcoma (ERMS). Also called: Botryoid rhabdomyosarcoma (type of ERMS); Spindle cell rhabdomyosarcomas (type of ERMS). Identifiers: Orphanet 99757, MedGen C0206656, MONDO:0009993, HP:0006743.

Submission:

Institute for Genomic Medicine (IGM) Clinical Laboratory, Nationwide Children's Hospital
Classification: Tier II - Potential for Embryonal rhabdomyosarcoma. Assertion type: diagnostic. Clinical significance: supports diagnosis. Last evaluated: 2023-04-10. Review status: criteria provided, single submitter. Criteria: AMP/ASCO/CAP Guidelines, 2017. Collection method: clinical testing. Allele origin: somatic. Affected: yes.
Comment: Variant has Tier II (potential) clinical significance as a diagnostic inclusion criterion in embryonal rhabdomyosarcoma, based on the following evidence: 1) Documented in one or more cancer databases (e.g., St. Jude Pecan, COSMIC, CIViC, OncoKB). 2) Assists in diagnosis alone or along with other biomarkers based on small studies or few case reports (Evidence Level D).

NM_017617.5(NOTCH1):c.5200_5201insGCCGGGGCAGCTGCACTTCATGTACGTGGCGGCGGCCGCCTTTGC (p.Gln1733_Leu1734insArgArgGlySerCysThrSerCysThrTrpArgArgProProLeu)

Gene: NOTCH1 (notch receptor 1; minus strand). Cytogenetic location: 9q34.3.
Variant type: Insertion.
Coding change: c.5200_5201insGCCGGGGCAGCTGCACTTCATGTACGTGGCGGCGGCCGCCTTTGC on transcript NM_017617.5 (MANE Select); coding-DNA positions 5200 to 5201, GCCGGGGCAGCTGCACTTCATGTACGTGGCGGCGGCCGCCTTTGC inserted.
Protein change: p.Gln1733_Leu1734insArgArgGlySerCysThrSerCysThrTrpArgArgProProLeu.
Genome position: GRCh38: chr9:136,502,457-136,502,458. GRCh37 (hg19): chr9:139,396,909-139,396,910.
Identifiers: ClinVar variation 4530434 (VCV004530434.1).